The following is an entry in ClinVar:

ClinVar aggregate classification (germline): Uncertain significance (1 of 4 stars; one submission).

Allele frequency attached by ClinVar (database versions not stated): gnomAD exomes 0.00002; TOPMed 0.00002; gnomAD 0.00003; ExAC 0.00005; ESP Exome Variant Server 0.00008.
gnomAD v4.1: 40 of 1,614,104 alleles (0.0025%); highest among the groups gnomAD compares: Non-Finnish European, 0.0025%; no homozygotes.

Submission:

Labcorp Genetics (formerly Invitae), Labcorp
Classification: Uncertain significance. Last evaluated: 2023-02-24. Review status: criteria provided, single submitter. Criteria: Invitae Variant Classification Sherloc (09022015). Collection method: clinical testing. Allele origin: germline.
Comment: This sequence change replaces isoleucine, which is neutral and non-polar, with methionine, which is neutral and non-polar, at codon 118 of the FAM111A protein (p.Ile118Met). In summary, the available evidence is currently insufficient to determine the role of this variant in disease. Therefore, it has been classified as a Variant of Uncertain Significance. Advanced modeling of protein sequence and biophysical properties (such as structural, functional, and spatial information, amino acid conservation, physicochemical variation, residue mobility, and thermodynamic stability) performed at Invitae indicates that this missense variant is not expected to disrupt FAM111A protein function. This variant has not been reported in the literature in individuals affected with FAM111A-related conditions. This variant is present in population databases (rs377559394, gnomAD 0.009%).

NM_001312909.2(FAM111A):c.354A>G (p.Ile118Met)

Gene: FAM111A (FAM111 trypsin like peptidase A; plus strand). Cytogenetic location: 11q12.1.
Variant type: single nucleotide variant.
Coding change: c.354A>G on transcript NM_001312909.2 (MANE Select); coding-DNA position 354, A replaced by G.
Protein change: p.Ile118Met; replaces isoleucine 118 with methionine.
Molecular consequence: missense variant.
Genome position (GRCh38, 1-based): chr11:59,152,022, A>G. VCF-style: chr11-59152022-A-G. GRCh37 (hg19) VCF-style: chr11-58919495-A-G.
Other names: c.354A>G, p.Ile118Met (NM_001312911.2, NM_001369457.1, NM_001142519.3 and 29 more transcripts); short protein forms I118M.
Identifiers: ClinVar variation 2919377 (VCV002919377.3), dbSNP rs377559394, ClinGen allele CA6016561.